The following is an entry in ClinVar:

ClinVar aggregate classification (germline): Benign (0 of 4 stars; one submission).

Conditions:
PTPN12-related disorder. Also called: PTPN12-related condition.

Allele frequency attached by ClinVar (database versions not stated): ESP Exome Variant Server 0.66831; ExAC 0.67206; gnomAD 0.68683; TOPMed 0.70646; 1000 Genomes Project 0.78734; 1000 Genomes Project 30x 0.78888.
gnomAD v4.1: 992,579 of 1,597,548 alleles (62%); highest among the groups gnomAD compares: East Asian, 92%; 315,015 homozygotes.

Submission:

PreventionGenetics, part of Exact Sciences
Classification: Benign for PTPN12-related condition. Last evaluated: 2019-10-16. Review status: no assertion criteria provided. Collection method: clinical testing. Allele origin: germline.
Comment: This variant is classified as benign based on ACMG/AMP sequence variant interpretation guidelines (Richards et al. 2015 PMID: 25741868, with internal and published modifications).

NM_002835.4(PTPN12):c.964G>A (p.Val322Ile)

Gene: PTPN12 (protein tyrosine phosphatase non-receptor type 12; plus strand). Cytogenetic location: 7q11.23.
Variant type: single nucleotide variant.
Coding change: c.964G>A on transcript NM_002835.4 (MANE Select); coding-DNA position 964, G replaced by A.
Protein change: p.Val322Ile; replaces valine 322 with isoleucine.
Molecular consequence: missense variant.
Genome position (GRCh38, 1-based): chr7:77,618,504, G>A. VCF-style: chr7-77618504-G-A. GRCh37 (hg19) VCF-style: chr7-77247821-G-A.
Other names: c.607G>A, p.Val203Ile (NM_001131008.2); c.574G>A, p.Val192Ile (NM_001131009.2); short protein forms V192I, V203I, V322I.
Identifiers: ClinVar variation 3060850 (VCV003060850.2), dbSNP rs9640663, ClinGen allele CA4311683.